The following is an entry in ClinVar:

ClinVar aggregate classification (germline): Conflicting classifications of pathogenicity. Review status: criteria provided, conflicting classifications (1 of 4 stars). 4 submissions from 4 submitters: Uncertain significance (2); Benign (1). 1 of the submissions does not count toward it. Last evaluated 2025-07-25.

Conditions:
MYO15A-related disorder. Also called: MYO15A-related condition.
Autosomal recessive nonsyndromic hearing loss 3. Also called: NEUROSENSORY NONSYNDROMIC RECESSIVE DEAFNESS 3. Identifiers: Orphanet 90636, MedGen C1838263, MONDO:0010860, OMIM 600316.

Allele frequency attached by ClinVar (database versions not stated): gnomAD 0.00008 and 0.00009; TOPMed 0.00009.

Submissions (4):

Labcorp Genetics (formerly Invitae), Labcorp
Classification: Benign. Last evaluated: 2025-07-25. Review status: criteria provided, single submitter. Criteria: Invitae Variant Classification Sherloc (09022015). Collection method: clinical testing. Allele origin: germline.

Laboratory for Molecular Medicine, Mass General Brigham Personalized Medicine
Classification: Uncertain significance. Last evaluated: 2015-11-25. Review status: criteria provided, single submitter. Criteria: LMM Criteria. Collection method: clinical testing. Allele origin: germline. Observed: 1 variant allele.
Comment: The p.Arg1935Gly variant in MYO15A has not been previously reported in individua ls with hearing loss. This variant has been identified in 10/62318 European chro mosomes by the Exome Aggregation Consortium (ExAC, g; dbSNP rs200041829); however, this frequency is not high enough to rule out a pathogenic role. Computational prediction tools and conservation analyses do not provide strong evidence for or against an impact to the protein. In summary, th e clinical significance of the p.Arg1935Gly variant is uncertain.

Daryl Scott Lab, Baylor College of Medicine
Classification: Uncertain significance for Autosomal recessive nonsyndromic hearing loss 3. Review status: criteria provided, single submitter. Criteria: ACMG Guidelines, 2015. Collection method: clinical testing. Allele origin: maternal. Affected: yes. Observed: 1 compound heterozygote.
Comment: BP4, BS1, BS2

PreventionGenetics, part of Exact Sciences
Classification: Likely benign for MYO15A-related condition. Last evaluated: 2023-06-19. Review status: no assertion criteria provided. Collection method: clinical testing. Allele origin: germline. Not counted in ClinVar's aggregate classification.
Comment: This variant is classified as likely benign based on ACMG/AMP sequence variant interpretation guidelines (Richards et al. 2015 PMID: 25741868, with internal and published modifications).

NM_016239.4(MYO15A):c.5803C>G (p.Arg1935Gly)

Gene: MYO15A (myosin XVA; plus strand). Cytogenetic location: 17p11.2.
Variant type: single nucleotide variant.
Coding change: c.5803C>G on transcript NM_016239.4 (MANE Select); coding-DNA position 5803, C replaced by G.
Protein change: p.Arg1935Gly; replaces arginine 1935 with glycine.
Molecular consequence: missense variant.
Genome position (GRCh38, 1-based): chr17:18,142,232, C>G. VCF-style: chr17-18142232-C-G. GRCh37 (hg19) VCF-style: chr17-18045546-C-G.
Other names: short protein forms R1935G.
Identifiers: ClinVar variation 228959 (VCV000228959.11), dbSNP rs200041829, ClinGen allele CA8424395.